The following is an entry in ClinVar:

ClinVar aggregate classification (germline): Uncertain significance (1 of 4 stars; one submission).

Conditions:
Hereditary cancer-predisposing syndrome. Also called: Neoplastic Syndromes, Hereditary; Tumor predisposition; Hereditary Cancer Syndrome; Hereditary neoplastic syndrome. Identifiers: Orphanet 140162, MedGen C0027672, MeSH D009386, MONDO:0015356.

Submission:

Ambry Genetics
Classification: Uncertain significance for Hereditary cancer-predisposing syndrome. Last evaluated: 2026-02-20. Review status: criteria provided, single submitter. Criteria: Ambry Variant Classification Scheme 2023. Collection method: clinical testing. Allele origin: germline.
Comment: The c.127_129delGAG variant (also known as p.E43del) is located in coding exon 1 of the POLD1 gene. This variant results from an in-frame GAG deletion at nucleotide positions 127 to 129. This results in the in-frame deletion of a glutamic acid at codon 43. This amino acid position is highly conserved in available vertebrate species. In addition, the in silico prediction for this variant is inconclusive (Choi Y et al. PLoS ONE. 2012; 7(10):e46688). Based on the available evidence, the clinical significance of this variant remains unclear.

NM_002691.4(POLD1):c.124GAG[1] (p.Glu43del)

Gene: POLD1 (DNA polymerase delta 1, catalytic subunit; plus strand). Cytogenetic location: 19q13.33.
Variant type: Microsatellite.
Coding change: c.124GAG[1] on transcript NM_002691.4 (MANE Select); one copy of the 3-base unit GAG starting at c.124; the reference has two copies in a row; one copy, 3 bases deleted.
Protein change: p.Glu43del; deletes glutamic acid 43.
Molecular consequence: non-coding transcript variant (on NR_046402.2).
Genome position (GRCh38, 1-based): chr19:50,398,978-50,398,980, GAG deleted; deleting any 3 consecutive bases within chr19:50,398,974-50,398,980 gives the same sequence; the position shown is the placement nearest the transcript's 3' end. VCF-style (leftmost placement, unchanged base first): chr19-50398973-TGGA-T. GRCh37 (hg19) VCF-style: chr19-50902230-TGGA-T.
Other names: c.124GAG[1], p.Glu43del (NM_001256849.1, NM_001308632.1, NM_001438210.1 and 3 more transcripts); short protein forms E43del.
Identifiers: ClinVar variation 4844401 (VCV004844401.1).